The following is an entry in ClinVar:

ClinVar aggregate classification (germline): Uncertain significance (1 of 4 stars; one submission).

Conditions:
Thrombocytopenia 1. Also called: THROMBOCYTOPENIA, X-LINKED, 1; X-Linked Thrombocytopenia (XLT); X-linked thrombocytopenia with normal platelets. Identifiers: Orphanet 268322, Orphanet 852, MedGen C1839163, MONDO:0010743, OMIM 313900.
Wiskott-Aldrich syndrome (WAS). Also called: ALDRICH SYNDROME; IMMUNODEFICIENCY 2; WISKOTT-ALDRICH SYNDROME 1; Wiskott-aldrich syndrome, somatic. Identifiers: Orphanet 906, MedGen C0043194, MONDO:0010518, OMIM 301000.
X-linked severe congenital neutropenia (SCNX). Identifiers: Orphanet 86788, MedGen C1845987, MONDO:0010294, OMIM 300299.

Submission:

Labcorp Genetics (formerly Invitae), Labcorp
Classification: Uncertain significance for Wiskott-Aldrich syndrome; X-linked severe congenital neutropenia; Thrombocytopenia 1. Last evaluated: 2025-04-17. Review status: criteria provided, single submitter. Criteria: Invitae Variant Classification Sherloc (09022015). Collection method: clinical testing. Allele origin: germline.
Comment: This sequence change replaces alanine, which is neutral and non-polar, with aspartic acid, which is acidic and polar, at codon 139 of the WAS protein (p.Ala139Asp). This variant is not present in population databases (gnomAD no frequency). This variant has not been reported in the literature in individuals affected with WAS-related conditions. Invitae Evidence Modeling of protein sequence and biophysical properties (such as structural, functional, and spatial information, amino acid conservation, physicochemical variation, residue mobility, and thermodynamic stability) has been performed for this missense variant. However, the output from this modeling did not meet the statistical confidence thresholds required to predict the impact of this variant on WAS protein function. In summary, the available evidence is currently insufficient to determine the role of this variant in disease. Therefore, it has been classified as a Variant of Uncertain Significance.

NM_000377.3(WAS):c.416C>A (p.Ala139Asp)

Gene: WAS (WASP actin nucleation promoting factor; plus strand). Cytogenetic location: Xp11.23.
Variant type: single nucleotide variant.
Coding change: c.416C>A on transcript NM_000377.3 (MANE Select); coding-DNA position 416, C replaced by A.
Protein change: p.Ala139Asp; replaces alanine 139 with aspartic acid.
Molecular consequence: missense variant.
Genome position (GRCh38, 1-based): chrX:48,685,789, C>A. VCF-style: chrX-48685789-C-A. GRCh37 (hg19) VCF-style: chrX-48544178-C-A.
Other names: c.416C>A, p.Ala139Asp (NM_001438876.1, NM_001438877.1, NM_001438878.1 and 1 more transcripts); short protein forms A139D.
Identifiers: ClinVar variation 4788722 (VCV004788722.1).